The following is an entry in ClinVar:

NM_004463.3(FGD1):c.2091T>C (p.Thr697=)

Gene: FGD1 (FYVE, RhoGEF and PH domain containing 1; minus strand). Cytogenetic location: Xp11.22.
Variant type: single nucleotide variant.
Coding change: c.2091T>C on transcript NM_004463.3 (MANE Select); coding-DNA position 2091, T replaced by C.
Protein change: p.Thr697=; no amino-acid change (threonine 697 retained).
Molecular consequence: synonymous variant.
Genome position (GRCh38, 1-based): chrX:54,449,716, A>G on the plus strand (T>C on the coding strand, the complement: FGD1 is on the minus strand). VCF-style: chrX-54449716-A-G. GRCh37 (hg19) VCF-style: chrX-54476149-A-G.
Identifiers: ClinVar variation 95086 (VCV000095086.26), dbSNP rs12011120, ClinGen allele CA148162.

ClinVar aggregate classification (germline): Benign. Review status: criteria provided, multiple submitters, no conflicts (2 of 4 stars). 8 submissions from 8 submitters: Benign (8). Last evaluated 2026-02-03.

Conditions:
Inborn genetic diseases. Identifiers: MedGen C0950123, MeSH D030342.

Allele frequency attached by ClinVar (database versions not stated): gnomAD 0.16740 and 0.17397; TOPMed 0.18775; ESP Exome Variant Server 0.19994; 1000 Genomes Project 0.21616; 1000 Genomes Project 30x 0.22206; gnomAD exomes 0.03767 and 0.07435; ExAC 0.08582.
gnomAD v4.1: 61,135 of 1,206,541 alleles (5.1%); highest among the groups gnomAD compares: African/African-American, 52%; 6,368 homozygotes.

Submissions (8):

Labcorp Genetics (formerly Invitae), Labcorp
Classification: Benign. Last evaluated: 2026-02-03. Review status: criteria provided, single submitter. Criteria: Invitae Variant Classification Sherloc (09022015). Collection method: clinical testing. Allele origin: germline.

Blueprint Genetics
Classification: Benign. Last evaluated: 2024-11-28. Review status: criteria provided, single submitter. Criteria: ACMG Guidelines, 2015. Collection method: clinical testing. Allele origin: germline.

GeneDx
Classification: Benign. Last evaluated: 2021-05-04. Review status: criteria provided, single submitter. Criteria: GeneDx Variant Classification Process June 2021. Collection method: clinical testing. Allele origin: germline. Affected: yes.

Laboratory for Molecular Medicine, Mass General Brigham Personalized Medicine
Classification: Benign. Last evaluated: 2018-12-28. Review status: criteria provided, single submitter. Criteria: LMM Criteria. Collection method: clinical testing. Allele origin: germline. Observed: 1 variant allele.
Comment: p.Thr697Thr in exon 14 of FGD1: This variant is not expected to have clinical significance because it does not alter an amino acid residue, is not located within the splice consensus sequence, and has been identified in 52.77% (4481/8491) of African chromosomes by the Exome Aggregation Consortium (ExAC; dbSNP rs12011120).

Ambry Genetics
Classification: Benign for Inborn genetic diseases. Last evaluated: 2015-07-12. Review status: criteria provided, single submitter. Criteria: Ambry Variant Classification Scheme 2023. Collection method: clinical testing. Allele origin: germline.

Eurofins Ntd Llc (ga)
Classification: Benign. Last evaluated: 2012-11-16. Review status: criteria provided, single submitter. Criteria: EGL Classification Definitions 2015. Collection method: clinical testing. Allele origin: germline. Observed: 5 variant alleles, 5 hemizygotes.

Breakthrough Genomics
Classification: Benign. Review status: criteria provided, single submitter. Criteria: ACMG Guidelines, 2015. Collection method: not provided. Allele origin: germline. Inheritance: X-linked inheritance. Affected: yes.

PreventionGenetics, part of Exact Sciences
Classification: Benign. Review status: criteria provided, single submitter. Criteria: ACMG Guidelines, 2015. Collection method: clinical testing. Allele origin: germline.